The following is an entry in ClinVar:

ClinVar aggregate classification (germline): Uncertain significance. Review status: criteria provided, multiple submitters, no conflicts (2 of 4 stars). 2 submissions from 2 submitters: Uncertain significance (2). Last evaluated 2025-10-07.

Conditions:
Inborn genetic diseases. Identifiers: MedGen C0950123, MeSH D030342.

Allele frequency attached by ClinVar (database versions not stated): ExAC 0.00007; 1000 Genomes Project 30x 0.00031; TOPMed 0.00001; gnomAD 0.00002; gnomAD exomes 0.00002; 1000 Genomes Project 0.00020.
gnomAD v4.1: 29 of 1,595,794 alleles (0.0018%); highest among the groups gnomAD compares: Admixed American, 0.043%; 1 homozygote.

Submissions (2):

Ambry Genetics
Classification: Uncertain significance for Inborn genetic diseases. Last evaluated: 2025-10-07. Review status: criteria provided, single submitter. Criteria: Ambry Variant Classification Scheme 2023. Collection method: clinical testing. Allele origin: germline.

Labcorp Genetics (formerly Invitae), Labcorp
Classification: Uncertain significance. Last evaluated: 2022-07-06. Review status: criteria provided, single submitter. Criteria: Invitae Variant Classification Sherloc (09022015). Collection method: clinical testing. Allele origin: germline.
Comment: This sequence change replaces alanine, which is neutral and non-polar, with valine, which is neutral and non-polar, at codon 1471 of the MPDZ protein (p.Ala1471Val). This variant is present in population databases (rs200642270, gnomAD 0.05%). This variant has not been reported in the literature in individuals affected with MPDZ-related conditions. Algorithms developed to predict the effect of missense changes on protein structure and function output the following: SIFT: "Deleterious"; PolyPhen-2: "Benign"; Align-GVGD: "Class C0". The valine amino acid residue is found in multiple mammalian species, which suggests that this missense change does not adversely affect protein function. Algorithms developed to predict the effect of sequence changes on RNA splicing suggest that this variant may create or strengthen a splice site. In summary, the available evidence is currently insufficient to determine the role of this variant in disease. Therefore, it has been classified as a Variant of Uncertain Significance.

NM_001378778.1(MPDZ):c.4412C>T (p.Ala1471Val)

Gene: MPDZ (multiple PDZ domain crumbs cell polarity complex component; minus strand). Cytogenetic location: 9p23.
Variant type: single nucleotide variant.
Coding change: c.4412C>T on transcript NM_001378778.1 (MANE Select); coding-DNA position 4412, C replaced by T.
Protein change: p.Ala1471Val; replaces alanine 1471 with valine.
Molecular consequence: missense variant.
Genome position (GRCh38, 1-based): chr9:13,133,876, G>A on the plus strand (C>T on the coding strand, the complement: MPDZ is on the minus strand). VCF-style: chr9-13133876-G-A. GRCh37 (hg19) VCF-style: chr9-13133875-G-A.
Other names: c.4313C>T, p.Ala1438Val (NM_001261406.2, NM_001261407.2, NM_001375416.1 and 3 more transcripts); c.4412C>T, p.Ala1471Val (NM_001330637.2, NM_003829.5); c.4511C>T, p.Ala1504Val (NM_001375413.1); c.4202C>T, p.Ala1401Val (NM_001375420.1, NM_001375421.1, NM_001375422.1 and 4 more transcripts); c.4004C>T, p.Ala1335Val (NM_001375427.1); c.4412C>T (NM_003829.3); short protein forms A1401V, A1471V, A1438V, A1504V, A1335V.
Identifiers: ClinVar variation 2148419 (VCV002148419.2), dbSNP rs200642270, ClinGen allele CA4986716.